The following is an entry in ClinVar:

ClinVar aggregate classification (germline): Conflicting classifications of pathogenicity. Review status: criteria provided, conflicting classifications (1 of 4 stars). 2 submissions from 2 submitters: Uncertain significance (1); Likely benign (1). Last evaluated 2025-05-15.

Conditions:
Hereditary cancer-predisposing syndrome. Also called: Neoplastic Syndromes, Hereditary; Tumor predisposition; Hereditary Cancer Syndrome; Hereditary neoplastic syndrome. Identifiers: Orphanet 140162, MedGen C0027672, MeSH D009386, MONDO:0015356.

Submissions (2):

Ambry Genetics
Classification: Likely benign for Hereditary cancer-predisposing syndrome. Last evaluated: 2025-05-15. Review status: criteria provided, single submitter. Criteria: Ambry Variant Classification Scheme 2023. Collection method: clinical testing. Allele origin: germline.

Quest Diagnostics Nichols Institute San Juan Capistrano
Classification: Uncertain significance. Last evaluated: 2025-03-18. Review status: criteria provided, single submitter. Criteria: Quest Diagnostics criteria. Collection method: clinical testing. Allele origin: unknown.
Comment: The BRCA2 c.8986T>G (p.Leu2996Val) variant has not been reported in individuals with BRCA2-related conditions in the published literature. This variant showed benign/likely benign effects in saturation genome editing assays measuring DNA repair-dependent cell survival (PMIDs: 39779848 (2025), 39779857 (2025)), however additional studies are required to validate these findings. This variant has not been reported in large, multi-ethnic general populations (Genome Aggregation Database). Analysis of this variant using bioinformatics tools for the prediction of the effect of amino acid changes on protein structure and function yielded predictions that this variant is benign. Based on the available information, we are unable to determine the clinical significance of this variant.

Literature cited by the submitters: PubMed 39779848 (cited by Quest Diagnostics Nichols Institute San Juan Capistrano); PubMed 39779857 (cited by Quest Diagnostics Nichols Institute San Juan Capistrano).

NM_000059.4(BRCA2):c.8986T>G (p.Leu2996Val)

Gene: BRCA2 (BRCA2 DNA repair associated; plus strand). Cytogenetic location: 13q13.1.
Variant type: single nucleotide variant.
Coding change: c.8986T>G on transcript NM_000059.4 (MANE Select); coding-DNA position 8986, T replaced by G.
Protein change: p.Leu2996Val; replaces leucine 2996 with valine.
Molecular consequence: missense variant.
Genome position (GRCh38, 1-based): chr13:32,379,782, T>G. VCF-style: chr13-32379782-T-G. GRCh37 (hg19) VCF-style: chr13-32953919-T-G.
Other names: c.8890T>G, p.Leu2964Val (NM_001406719.1); c.4054T>G, p.Leu1352Val (NM_001406721.1); c.2569T>G, p.Leu857Val (NM_001406722.1); short protein forms L1352V, L2996V, L2964V, L857V.
Identifiers: ClinVar variation 1765331 (VCV001765331.4), dbSNP rs2137622269, ClinGen allele CA387757418.